The following is an entry in ClinVar:

ClinVar aggregate classification (germline): Likely pathogenic (1 of 4 stars; one submission).

Conditions:
Autosomal recessive cerebellar ataxia-saccadic intrusion syndrome. Also called: SPINOCEREBELLAR ATAXIA 24; VPS13D Movement Disorder. Identifiers: Orphanet 95434, MedGen C1846492, MONDO:0011811, OMIM 607317.

Submission:

Kids Neuroscience Centre, Sydney Children's Hospitals Network
Classification: Likely pathogenic for Autosomal recessive cerebellar ataxia-saccadic intrusion syndrome. Review status: criteria provided, single submitter. Criteria: Bournazos AM et al. (Genet Med 2021). Collection method: clinical testing. Allele origin: paternal, maternal. Inheritance: Autosomal recessive inheritance. Affected: yes. Observed: 2 compound heterozygotes.
Comment: The c.10270C>T variant results in two detected abnormal splicing events: (1) Exon-51 skipping (p.Ile3382Asnfs*24), (2) Intron-51 retention (p.Gln3425Valfs*45). All abnormal splicing events induced by the c.10270C>T variant create a frameshift and premature termination codon and are predicted to be targeted for nonsense -mediated decay. Any VPS13D transcripts escaping nonsense-mediated decay encode VPS13D proteins lack ~1000 C-terminal amino acids and are therefore likely to be dysfunctional/non -functional.

NM_015378.4(VPS13D):c.10270C>T (p.Gln3424Ter)

Gene: VPS13D (vacuolar protein sorting 13 homolog D; plus strand). Cytogenetic location: 1p36.22.
Variant type: single nucleotide variant.
Coding change: c.10270C>T on transcript NM_015378.4 (MANE Select); coding-DNA position 10270, C replaced by T.
Protein change: p.Gln3424Ter; replaces glutamine 3424 with a stop codon.
Molecular consequence: nonsense.
Genome position (GRCh38, 1-based): chr1:12,362,848, C>T. VCF-style: chr1-12362848-C-T. GRCh37 (hg19) VCF-style: chr1-12422904-C-T.
Other names: c.10195C>T, p.Gln3399Ter (NM_018156.4); short protein forms Q3399*, Q3424*.
Identifiers: ClinVar variation 1064612 (VCV001064612.3), dbSNP rs2101615505, ClinGen allele CA338497526.